The following is an entry in ClinVar:

NM_001042492.3(NF1):c.61-1G>T

Gene: NF1 (neurofibromin 1; plus strand). Cytogenetic location: 17q11.2.
Variant type: single nucleotide variant.
Coding change: c.61-1G>T on transcript NM_001042492.3 (MANE Select); the canonical splice acceptor site of the intron before coding-DNA position 61, G replaced by T.
Molecular consequence: splice acceptor variant.
Genome position (GRCh38, 1-based): chr17:31,155,982, G>T. VCF-style: chr17-31155982-G-T. GRCh37 (hg19) VCF-style: chr17-29483000-G-T.
Other names: c.61-1G>T (NM_000267.4, NM_001128147.3).
Identifiers: ClinVar variation 803335 (VCV000803335.3), dbSNP rs1263745475, ClinGen allele CA398988005.

ClinVar aggregate classification (germline): Conflicting classifications of pathogenicity. Review status: criteria provided, conflicting classifications (1 of 4 stars). 2 submissions from 2 submitters: Likely pathogenic (1); Likely benign (1). Last evaluated 2023-03-02.

Conditions:
Hereditary cancer-predisposing syndrome. Also called: Hereditary Cancer Syndrome; Neoplastic Syndromes, Hereditary; Hereditary neoplastic syndrome; Tumor predisposition. Identifiers: Orphanet 140162, MedGen C0027672, MeSH D009386, MONDO:0015356.
Cardiovascular phenotype. Identifiers: MedGen CN230736.
Neurofibromatosis, type 1 (NF1). Also called: Peripheral type neurofibromatosis; NEUROFIBROMATOSIS, TYPE I, SOMATIC; Neurofibromatosis, type I; VON RECKLINGHAUSEN DISEASE. Identifiers: Orphanet 636, MedGen C0027831, MONDO:0018975, OMIM 162200. Disease mechanism: loss of function.

Submissions (2):

Ambry Genetics
Classification: Likely pathogenic for Cardiovascular phenotype; Hereditary cancer-predisposing syndrome. Last evaluated: 2023-03-02. Review status: criteria provided, single submitter. Criteria: Ambry Variant Classification Scheme 2023. Collection method: clinical testing. Allele origin: germline.
Comment: The c.61-1G>T intronic variant results from a G to T substitution one nucleotide upstream from coding exon 2 of the NF1 gene. This nucleotide position is highly conserved in available vertebrate species. In silico splice site analysis predicts that this alteration will weaken the native splice acceptor site and will result in the creation or strengthening of a novel splice acceptor site; however, direct evidence is insufficient at this time (Ambry internal data). Alterations that disrupt the canonical splice site are expected to cause aberrant splicing, resulting in an abnormal protein or a transcript that is subject to nonsense-mediated mRNA decay. As such, this alteration is classified as likely pathogenic.

Mendelics
Classification: Likely benign for Neurofibromatosis, type 1. Last evaluated: 2019-05-28. Review status: criteria provided, single submitter. Criteria: Mendelics Assertion Criteria 2017. Collection method: clinical testing. Allele origin: unknown.